The following is an entry in ClinVar:

ClinVar aggregate classification (germline): Uncertain significance (1 of 4 stars; one submission).

Submission:

Labcorp Genetics (formerly Invitae), Labcorp
Classification: Uncertain significance. Last evaluated: 2021-12-21. Review status: criteria provided, single submitter. Criteria: Invitae Variant Classification Sherloc (09022015). Collection method: clinical testing. Allele origin: germline.
Comment: In summary, the available evidence is currently insufficient to determine the role of this variant in disease. Therefore, it has been classified as a Variant of Uncertain Significance. Experimental studies and prediction algorithms are not available or were not evaluated, and the functional significance of this variant is currently unknown. This variant has not been reported in the literature in individuals affected with KIZ-related conditions. This variant is not present in population databases (gnomAD no frequency). This sequence change replaces glutamic acid, which is acidic and polar, with glycine, which is neutral and non-polar, at codon 68 of the KIZ protein (p.Glu68Gly).

NM_018474.6(KIZ):c.203A>G (p.Glu68Gly)

Gene: KIZ (kizuna centrosomal protein; plus strand). Cytogenetic location: 20p11.23.
Variant type: single nucleotide variant.
Coding change: c.203A>G on transcript NM_018474.6 (MANE Select); coding-DNA position 203, A replaced by G.
Protein change: p.Glu68Gly; replaces glutamic acid 68 with glycine.
Molecular consequence: missense variant. On other transcripts: 5 prime UTR variant (1), intron variant (4).
Genome position (GRCh38, 1-based): chr20:21,136,440, A>G. VCF-style: chr20-21136440-A-G. GRCh37 (hg19) VCF-style: chr20-21117081-A-G.
Other names: c.203A>G, p.Glu68Gly (NM_001352434.2); c.-184A>G (NM_001352436.2); c.169-9125A>G (NM_001276389.2); c.6+4281A>G (NM_001163022.3, NM_001352435.2, NM_001163023.3); short protein forms E68G.
Identifiers: ClinVar variation 2051502 (VCV002051502.4), dbSNP rs2519624331, ClinGen allele CA408488434.